The following is an entry in ClinVar:

ClinVar aggregate classification (germline): Uncertain significance (1 of 4 stars; one submission).

Submission:

Labcorp Genetics (formerly Invitae), Labcorp
Classification: Uncertain significance. Last evaluated: 2024-08-30. Review status: criteria provided, single submitter. Criteria: Invitae Variant Classification Sherloc (09022015). Collection method: clinical testing. Allele origin: germline.
Comment: This sequence change replaces phenylalanine, which is neutral and non-polar, with leucine, which is neutral and non-polar, at codon 310 of the CLCN2 protein (p.Phe310Leu). This variant is not present in population databases (gnomAD no frequency). This variant has not been reported in the literature in individuals affected with CLCN2-related conditions. Invitae Evidence Modeling of protein sequence and biophysical properties (such as structural, functional, and spatial information, amino acid conservation, physicochemical variation, residue mobility, and thermodynamic stability) indicates that this missense variant is not expected to disrupt CLCN2 protein function with a negative predictive value of 80%. In summary, the available evidence is currently insufficient to determine the role of this variant in disease. Therefore, it has been classified as a Variant of Uncertain Significance.

NM_004366.6(CLCN2):c.930C>G (p.Phe310Leu)

Gene: CLCN2 (chloride voltage-gated channel 2; minus strand). Cytogenetic location: 3q27.1.
Variant type: single nucleotide variant.
Coding change: c.930C>G on transcript NM_004366.6 (MANE Select); coding-DNA position 930, C replaced by G.
Protein change: p.Phe310Leu; replaces phenylalanine 310 with leucine.
Molecular consequence: missense variant.
Genome position (GRCh38, 1-based): chr3:184,357,235, G>C on the plus strand (C>G on the coding strand, the complement: CLCN2 is on the minus strand). VCF-style: chr3-184357235-G-C. GRCh37 (hg19) VCF-style: chr3-184075023-G-C.
Other names: c.930C>G, p.Phe310Leu (NM_001171087.3, NM_001171089.3); c.798C>G, p.Phe266Leu (NM_001171088.3); short protein forms F266L, F310L.
Identifiers: ClinVar variation 3662149 (VCV003662149.2).